The following is an entry in ClinVar:

NM_000062.3(SERPING1):c.1029+2111G>A

Gene: SERPING1 (serpin family G member 1; plus strand). Cytogenetic location: 11q12.1.
Variant type: single nucleotide variant.
Coding change: c.1029+2111G>A on transcript NM_000062.3 (MANE Select); 2111 bases into the intron after coding-DNA position 1029, G replaced by A.
Molecular consequence: intron variant.
Genome position (GRCh38, 1-based): chr11:57,608,658, G>A. VCF-style: chr11-57608658-G-A. GRCh37 (hg19) VCF-style: chr11-57376131-G-A.
Other names: c.1029+2111G>A (NM_001032295.2).
Identifiers: ClinVar variation 983260 (VCV000983260.2), dbSNP rs138770460, ClinGen allele CA13484491.
Genomic context (GRCh38, chr11:57,608,658, plus strand): 5'-TGCCTCCCAGGTTCAAGCGATTCTCCTGCCTTAGCCTCCCTAGTAGCTGGGATTATAGGT[G>A]CCTGCCACCACTCCCAGCTAATTTTTGTATTTTTAGTAGAGATGGGGTTTCACCATGTTG-3'

ClinVar aggregate classification (germline): Benign (1 of 4 stars; one submission).

Conditions:
Hereditary angioedema type 1 (HAE1). Identifiers: Orphanet 100050, Orphanet 100051, Orphanet 91378, MedGen C2717906, MONDO:0015053, OMIM 106100.

Allele frequency attached by ClinVar (database versions not stated): 1000 Genomes Project 0.14916; 1000 Genomes Project 30x 0.15100; TOPMed 0.19606; gnomAD 0.21108 and 0.21254.
gnomAD v4.1: 32,104 of 151,748 alleles (21%); highest among the groups gnomAD compares: Non-Finnish European, 27%; 3,878 homozygotes.

Submission:

CeMIA
Classification: Benign for Hereditary angioedema type 1. Review status: criteria provided, single submitter. Criteria: ACMG Guidelines, 2015. Collection method: clinical testing. Allele origin: germline. Affected: yes.
Comment: This variant is considered likely benign or benign based on one or more of the following criteria: allele frequency is >5% in Exome Sequencing Project, 1000 Genomes Project, or Exome Aggregation Consortium (BA1), allele frequency is greater than expected for disorder (BS1), it is observed in a healthy adult individual (BS2), it is predicted to be benign by multiple in silico algorithms (BP4), it is found in a case with an alternate molecular basis for the disease (BP5) and/or reputable source recently reports variant as benign (BP6).

Literature cited by the submitters: PubMed 31959500.